The following is an entry in ClinVar:

NM_003172.4(SURF1):c.773_784del (p.Pro258_Gly261del)

Gene: SURF1 (SURF1 cytochrome c oxidase assembly factor; minus strand). Cytogenetic location: 9q34.2.
Variant type: Deletion.
Coding change: c.773_784del on transcript NM_003172.4 (MANE Select); coding-DNA positions 773 to 784, 12 bases deleted (CCATTGGAGGGC).
Protein change: p.Pro258_Gly261del.
Molecular consequence: inframe deletion.
Genome position (GRCh38, 1-based): chr9:133,352,110-133,352,121, GCCCTCCAATGG deleted on the plus strand (CCATTGGAGGGC on the coding strand, the reverse complement: SURF1 is on the minus strand); deleting any 12 consecutive bases within chr9:133,352,110-133,352,122 gives the same sequence; the c. name uses the placement nearest the transcript's 3' end. VCF-style (leftmost placement, unchanged base first): chr9-133352109-TGCCCTCCAATGG-T. GRCh37 (hg19) VCF-style: chr9-136218964-TGCCCTCCAATGG-T.
Other names: c.773_784del12 (NM_003172.4); c.446_457del, p.Pro149_Gly152del (NM_001280787.1).
Identifiers: ClinVar variation 1459173 (VCV001459173.7), dbSNP rs1333638410, ClinGen allele CA860707203.

ClinVar aggregate classification (germline): Pathogenic. Review status: criteria provided, multiple submitters, no conflicts (2 of 4 stars). 2 submissions from 2 submitters: Pathogenic (2). Last evaluated 2025-06-10.

Conditions:
Leigh syndrome (NULS). Also called: LEIGH SYNDROME, NUCLEAR; Leigh's necrotizing encephalopathy; Leigh's disease; Leigh Syndrome (mtDNA deletion); Leigh Disease; Subacute necrotizing encephalopathy. Identifiers: Orphanet 506, MedGen C2931891, MONDO:0009723, OMIM 256000.

Submissions (2):

Women's Health and Genetics/Laboratory Corporation of America, LabCorp
Classification: Pathogenic for Leigh syndrome. Last evaluated: 2025-06-10. Review status: criteria provided, single submitter. Criteria: LabCorp Variant Classification Summary - May 2015. Collection method: clinical testing. Allele origin: germline.
Comment: Variant summary: SURF1 c.773_784del12 (p.Pro258_Gly261del) results in an in-frame deletion that is predicted to remove 4 amino acids from the encoded protein. The variant allele was found at a frequency of 4.2e-06 in 239686 control chromosomes. To our knowledge, no occurrence of c.773_784del12 in individuals affected with SURF1-related conditions and no experimental evidence demonstrating its impact on protein function have been reported. However, a missense variant within the deleted region has been determined to be likely pathogenic/pathogenic by our laboratory (c.772C>T; p.Pro258Ser) in the context of Leigh syndrome, suggesting that loss of this region of the protein is deleterious (PMID: 29933018). ClinVar contains an entry for this variant (Variation ID: 1459173). Based on the evidence outlined above, the variant was classified as pathogenic.

Labcorp Genetics (formerly Invitae), Labcorp
Classification: Pathogenic for Leigh syndrome. Last evaluated: 2025-02-27. Review status: criteria provided, single submitter. Criteria: Invitae Variant Classification Sherloc (09022015). Collection method: clinical testing. Allele origin: germline.
Comment: This variant, c.773_784del, results in the deletion of 4 amino acid(s) of the SURF1 protein (p.Pro258_Gly261del), but otherwise preserves the integrity of the reading frame. This variant is present in population databases (no rsID available, gnomAD 0.002%). This variant has been observed in individual(s) with clinical features of Leigh syndrome (internal data). In at least one individual the data is consistent with being in trans (on the opposite chromosome) from a pathogenic variant. ClinVar contains an entry for this variant (Variation ID: 1459173). This variant disrupts a region of the SURF1 protein in which other variant(s) (p.Pro258Ser) have been determined to be pathogenic (PMID: 28639102, 29933018). This suggests that this is a clinically significant region of the protein, and that variants that disrupt it are likely to be disease-causing. For these reasons, this variant has been classified as Pathogenic.

Literature cited by the submitters: PubMed 28639102 (cited by Labcorp Genetics (formerly Invitae), Labcorp); PubMed 29933018 (cited by Labcorp Genetics (formerly Invitae), Labcorp).